The following is an entry in ClinVar:

NM_001025295.3(IFITM5):c.262C>T (p.Leu88=)

Gene: IFITM5 (interferon induced transmembrane protein 5; minus strand). Cytogenetic location: 11p15.5.
Variant type: single nucleotide variant.
Coding change: c.262C>T on transcript NM_001025295.3 (MANE Select); coding-DNA position 262, C replaced by T.
Protein change: p.Leu88=; no amino-acid change (leucine 88 retained).
Molecular consequence: synonymous variant.
Genome position (GRCh38, 1-based): chr11:298,638, G>A on the plus strand (C>T on the coding strand, the complement: IFITM5 is on the minus strand). VCF-style: chr11-298638-G-A. GRCh37 (hg19) VCF-style: chr11-298638-G-A.
Other names: c.262C>T (NM_001025295.2).
Identifiers: ClinVar variation 1592978 (VCV001592978.9), dbSNP rs551588340, ClinGen allele CA472303191.

ClinVar aggregate classification (germline): Conflicting classifications of pathogenicity. Review status: criteria provided, conflicting classifications (1 of 4 stars). 2 submissions from 2 submitters: Uncertain significance (1); Likely benign (1). Last evaluated 2024-10-29.

Allele frequency attached by ClinVar (database versions not stated): gnomAD 0.00001; TOPMed 0.00001.

Submissions (2):

Labcorp Genetics (formerly Invitae), Labcorp
Classification: Likely benign. Last evaluated: 2024-10-29. Review status: criteria provided, single submitter. Criteria: Invitae Variant Classification Sherloc (09022015). Collection method: clinical testing. Allele origin: germline.

GeneDx
Classification: Uncertain significance. Last evaluated: 2024-05-20. Review status: criteria provided, single submitter. Criteria: GeneDx Variant Classification Process June 2021. Collection method: clinical testing. Allele origin: germline. Affected: yes.
Comment: In silico analysis indicates that this variant does not alter splicing; Has not been previously published as pathogenic or benign to our knowledge